The following is an entry in ClinVar:

NM_001042492.3(NF1):c.4604del (p.Pro1535fs)

Gene: NF1 (neurofibromin 1; plus strand). Cytogenetic location: 17q11.2.
Variant type: Deletion.
Coding change: c.4604del on transcript NM_001042492.3 (MANE Select); coding-DNA position 4604, one base deleted (C; older notation c.4604delC).
Protein change: p.Pro1535fs; shifts the reading frame from proline 1535.
Molecular consequence: frameshift variant.
Genome position (GRCh38, 1-based): chr17:31,261,737, C deleted; the last of 2 consecutive C bases (chr17:31,261,736-31,261,737); deleting either gives the same sequence. VCF-style (leftmost placement, unchanged base first): chr17-31261735-AC-A. GRCh37 (hg19) VCF-style: chr17-29588753-AC-A.
Other names: c.4541delC, p.Pro1514Leufs (NM_000267.4); short protein forms P1514fs, P1535fs.
Identifiers: ClinVar variation 2767127 (VCV002767127.4), dbSNP rs2508429316, ClinGen allele CA2697559749.
Genomic context (GRCh38, chr17:31,261,735, plus strand): 5'-TGCTAATTTTTTTTCTAAGTAGTTTGCTGTATCTAGGGATCATAAAGCTGTTGGAAGACG[AC>A]CTTTTGATAAGATGGCAACACTTCTTGCATACCTGGGTCCTCCAGAGCACAAACCTGTGG-3'

ClinVar aggregate classification (germline): Pathogenic. Review status: criteria provided, multiple submitters, no conflicts (2 of 4 stars). 2 submissions from 2 submitters: Pathogenic (2). Last evaluated 2024-01-29.

Conditions:
Neurofibromatosis, type 1 (NF1). Also called: VON RECKLINGHAUSEN DISEASE; Neurofibromatosis, type I; NEUROFIBROMATOSIS, TYPE I, SOMATIC; Peripheral type neurofibromatosis. Identifiers: Orphanet 636, MedGen C0027831, MONDO:0018975, OMIM 162200. Disease mechanism: loss of function.

Submissions (2):

Quest Diagnostics Nichols Institute San Juan Capistrano
Classification: Pathogenic. Last evaluated: 2024-01-29. Review status: criteria provided, single submitter. Criteria: Quest Diagnostics criteria. Collection method: clinical testing. Allele origin: unknown.
Comment: The NF1 c.4541del (p.Pro1514Leufs*39) variant alters the translational reading frame of the NF1 mRNA and causes the premature termination of NF1 protein synthesis. This variant has not been reported in individuals with NF1-related conditions in the published literature. This variant has not been reported in large, multi-ethnic general populations (Genome Aggregation Database). Based on the available information, this variant is classified as pathogenic.

Labcorp Genetics (formerly Invitae), Labcorp
Classification: Pathogenic for Neurofibromatosis, type 1. Last evaluated: 2023-10-09. Review status: criteria provided, single submitter. Criteria: Invitae Variant Classification Sherloc (09022015). Collection method: clinical testing. Allele origin: germline.
Comment: This sequence change creates a premature translational stop signal (p.Pro1514Leufs*39) in the NF1 gene. It is expected to result in an absent or disrupted protein product. Loss-of-function variants in NF1 are known to be pathogenic (PMID: 10712197, 23913538). This variant is not present in population databases (gnomAD no frequency). This variant has not been reported in the literature in individuals affected with NF1-related conditions. For these reasons, this variant has been classified as Pathogenic.

Literature cited by the submitters: PubMed 10712197 (cited by Labcorp Genetics (formerly Invitae), Labcorp); PubMed 23913538 (cited by Labcorp Genetics (formerly Invitae), Labcorp).